The following is an entry in ClinVar:

ClinVar aggregate classification (germline): Pathogenic. Review status: reviewed by expert panel (3 of 4 stars). 5 submissions from 5 submitters: Pathogenic (1). 4 of the submissions do not count toward it. Last evaluated 2016-09-08.

Conditions:
Hereditary cancer-predisposing syndrome. Also called: Tumor predisposition; Hereditary Cancer Syndrome; Hereditary neoplastic syndrome; Neoplastic Syndromes, Hereditary. Identifiers: Orphanet 140162, MedGen C0027672, MeSH D009386, MONDO:0015356.
Hereditary breast ovarian cancer syndrome. Also called: Breast and ovarian cancer; Hereditary breast and ovarian cancer syndrome; Hereditary breast and ovarian cancer; BRCA1- and BRCA2-Associated Hereditary Breast and Ovarian Cancer; Hereditary breast and ovarian cancer syndrome (HBOC); Hereditary breast and/or ovarian cancer syndrome. Identifiers: Orphanet 145, MedGen C0677776, MeSH D061325, MONDO:0003582. Disease mechanism: loss of function.
Breast-ovarian cancer, familial, susceptibility to, 2 (BROVCA2). Also called: BRCA2 Hereditary Breast and Ovarian Cancer. Identifiers: Orphanet 145, MedGen C2675520, MONDO:0012933, OMIM 612555. Disease mechanism: loss of function.

Submissions (5):

Evidence-based Network for the Interpretation of Germline Mutant Alleles (ENIGMA)
Classification: Pathogenic for Breast-ovarian cancer, familial, susceptibility to, 2. Last evaluated: 2016-09-08. Review status: reviewed by expert panel. Criteria: ENIGMA BRCA1/2 Classification Criteria (2015). Collection method: curation. Allele origin: germline.
Comment: Variant allele predicted to encode a truncated non-functional protein.

Ambry Genetics
Classification: Pathogenic for Hereditary cancer-predisposing syndrome. Last evaluated: 2025-08-04. Review status: criteria provided, single submitter. Criteria: Ambry Variant Classification Scheme 2023. Collection method: clinical testing. Allele origin: germline. Not counted in ClinVar's aggregate classification.
Comment: The c.4168_4169delTT pathogenic mutation, located in coding exon 10 of the BRCA2 gene, results from a deletion of two nucleotides at nucleotide positions 4168 to 4169, causing a translational frameshift with a predicted alternate stop codon (p.L1390Gfs*12). This variant is considered to be rare based on population cohorts in the Genome Aggregation Database (gnomAD). This alteration is expected to result in loss of function by premature protein truncation or nonsense-mediated mRNA decay. As such, this alteration is interpreted as a disease-causing mutation.

Labcorp Genetics (formerly Invitae), Labcorp
Classification: Pathogenic for Hereditary breast ovarian cancer syndrome. Last evaluated: 2025-01-26. Review status: criteria provided, single submitter. Criteria: Invitae Variant Classification Sherloc (09022015). Collection method: clinical testing. Allele origin: germline. Not counted in ClinVar's aggregate classification.
Comment: This sequence change creates a premature translational stop signal (p.Leu1390Glyfs*12) in the BRCA2 gene. It is expected to result in an absent or disrupted protein product. Loss-of-function variants in BRCA2 are known to be pathogenic (PMID: 20104584). This variant is not present in population databases (gnomAD no frequency). This premature translational stop signal has been observed in individual(s) with a personal or family history of breast and/or ovarian cancer (PMID: 26681312, 29446198). ClinVar contains an entry for this variant (Variation ID: 182314). For these reasons, this variant has been classified as Pathogenic.

Consortium of Investigators of Modifiers of BRCA1/2 (CIMBA), c/o University of Cambridge
Classification: Pathogenic for Breast-ovarian cancer, familial, susceptibility to, 2. Last evaluated: 2015-10-02. Review status: criteria provided, single submitter. Criteria: CIMBA Mutation Classification guidelines May 2016. Collection method: clinical testing. Allele origin: germline. Not counted in ClinVar's aggregate classification.

GeneDx
Classification: Pathogenic. Last evaluated: 2014-06-13. Review status: criteria provided, single submitter. Criteria: GeneDx Variant Classification (06012015). Collection method: clinical testing. Allele origin: germline. Affected: yes. Not counted in ClinVar's aggregate classification.
Comment: This deletion of two nucleotides is denoted BRCA2 c.4168_4169delTT at the cDNA level and p.Leu1390GlyfsX12 (L1390Gfsx12) at the protein level. The normal sequence with the bases that are deleted in brackets is CTTTT[TT]GGAA. The deletion causes a frameshift, which changes a Leucine to a Glycine at codon 1390, and introduces a premature stop codon at position 12 of the new reading frame. Although this variant has not, to our knowledge, been reported in the literature, it is predicted to cause loss of normal protein function through either protein truncation or nonsense-mediated mRNA decay. BRCA2 c.4168_4169delTT is considered pathogenic.

Literature cited by the submitters: PubMed 20104584 (cited by Labcorp Genetics (formerly Invitae), Labcorp); PubMed 26681312 (cited by Labcorp Genetics (formerly Invitae), Labcorp); PubMed 29446198 (cited by Labcorp Genetics (formerly Invitae), Labcorp).

NM_000059.4(BRCA2):c.4168_4169del (p.Leu1390fs)

Gene: BRCA2 (BRCA2 DNA repair associated; plus strand). Cytogenetic location: 13q13.1.
Variant type: Deletion.
Coding change: c.4168_4169del on transcript NM_000059.4 (MANE Select); coding-DNA positions 4168 to 4169, 2 bases deleted (TT; older notation c.4168_4169delTT).
Protein change: p.Leu1390fs; shifts the reading frame from leucine 1390.
Molecular consequence: frameshift variant.
Genome position (GRCh38, 1-based): chr13:32,338,523-32,338,524, TT deleted; deleting any 2 consecutive bases within chr13:32,338,519-32,338,524 gives the same sequence; the c. name uses the placement nearest the transcript's 3' end. VCF-style (leftmost placement, unchanged base first): chr13-32338518-CTT-C. GRCh37 (hg19) VCF-style: chr13-32912655-CTT-C.
Other names: c.4168_4169delTT (NM_000059.3).
Identifiers: ClinVar variation 182314 (VCV000182314.16), dbSNP rs80359433, ClinGen allele CA019652.